The following is an entry in ClinVar:

NM_001365951.3(KIF1B):c.574A>G (p.Ile192Val)

Gene: KIF1B (kinesin family member 1B; plus strand). Cytogenetic location: 1p36.22.
Variant type: single nucleotide variant.
Coding change: c.574A>G on transcript NM_001365951.3 (MANE Select); coding-DNA position 574, A replaced by G.
Protein change: p.Ile192Val; replaces isoleucine 192 with valine.
Molecular consequence: missense variant.
Genome position (GRCh38, 1-based): chr1:10,267,524, A>G. VCF-style: chr1-10267524-A-G. GRCh37 (hg19) VCF-style: chr1-10327582-A-G.
Other names: c.574A>G, p.Ile192Val (NM_001365952.1, NM_001365953.1, NM_015074.3 and 1 more transcripts); short protein forms I192V.
Identifiers: ClinVar variation 1374463 (VCV001374463.9), dbSNP rs1332621585, ClinGen allele CA338329884.

ClinVar aggregate classification (germline): Uncertain significance. Review status: criteria provided, multiple submitters, no conflicts (2 of 4 stars). 2 submissions from 2 submitters: Uncertain significance (2). Last evaluated 2025-06-08.

Conditions:
Charcot-Marie-Tooth disease type 2. Also called: Charcot-Marie-Tooth type 2. Identifiers: Orphanet 64746, MedGen C0270914, MONDO:0018993.

Allele frequency attached by ClinVar (database versions not stated): gnomAD 0.00001; gnomAD exomes 0.00001.
gnomAD v4.1: 5 of 1,614,056 alleles (0.00031%); highest among the groups gnomAD compares: Admixed American, 0.0033%; no homozygotes.

Submissions (2):

Ambry Genetics
Classification: Uncertain significance. Last evaluated: 2025-06-08. Review status: criteria provided, single submitter. Criteria: Ambry Variant Classification Scheme 2023. Collection method: clinical testing. Allele origin: germline.
Comment: The p.I192V variant (also known as c.574A>G), located in coding exon 5 of the KIF1B gene, results from an A to G substitution at nucleotide position 574. The isoleucine at codon 192 is replaced by valine, an amino acid with highly similar properties. This amino acid position is conserved. In addition, the in silico prediction for this alteration is inconclusive. Since supporting evidence is limited at this time, the clinical significance of this alteration remains unclear.

Labcorp Genetics (formerly Invitae), Labcorp
Classification: Uncertain significance for Charcot-Marie-Tooth disease type 2. Last evaluated: 2023-06-15. Review status: criteria provided, single submitter. Criteria: Invitae Variant Classification Sherloc (09022015). Collection method: clinical testing. Allele origin: germline.
Comment: Advanced modeling of protein sequence and biophysical properties (such as structural, functional, and spatial information, amino acid conservation, physicochemical variation, residue mobility, and thermodynamic stability) performed at Invitae indicates that this missense variant is not expected to disrupt KIF1B protein function. ClinVar contains an entry for this variant (Variation ID: 1374463). This variant has not been reported in the literature in individuals affected with KIF1B-related conditions. This variant is present in population databases (no rsID available, gnomAD 0.006%). This sequence change replaces isoleucine, which is neutral and non-polar, with valine, which is neutral and non-polar, at codon 192 of the KIF1B protein (p.Ile192Val). In summary, the available evidence is currently insufficient to determine the role of this variant in disease. Therefore, it has been classified as a Variant of Uncertain Significance.